The following is an entry in ClinVar:

NM_001466.4(FZD2):c.1317C>G (p.Phe439Leu)

Gene: FZD2 (frizzled class receptor 2; plus strand). Cytogenetic location: 17q21.31.
Variant type: single nucleotide variant.
Coding change: c.1317C>G on transcript NM_001466.4 (MANE Select); coding-DNA position 1317, C replaced by G.
Protein change: p.Phe439Leu; replaces phenylalanine 439 with leucine.
Molecular consequence: missense variant.
Genome position (GRCh38, 1-based): chr17:44,559,005, C>G. VCF-style: chr17-44559005-C-G. GRCh37 (hg19) VCF-style: chr17-42636373-C-G.
Other names: c.1317C>G (NM_001466.3); short protein forms F439L.
Identifiers: ClinVar variation 1439539 (VCV001439539.7), dbSNP rs201422597, ClinGen allele CA8604766.

ClinVar aggregate classification (germline): Uncertain significance. Review status: criteria provided, multiple submitters, no conflicts (2 of 4 stars). 2 submissions from 2 submitters: Uncertain significance (2). Last evaluated 2025-10-01.

Allele frequency attached by ClinVar (database versions not stated): ExAC 0.00002; gnomAD exomes 0.00002; gnomAD 0.00017; TOPMed 0.00035; 1000 Genomes Project 0.00040; 1000 Genomes Project 30x 0.00047.

Submissions (2):

Labcorp Genetics (formerly Invitae), Labcorp
Classification: Uncertain significance. Last evaluated: 2025-10-01. Review status: criteria provided, single submitter. Criteria: Invitae Variant Classification Sherloc (09022015). Collection method: clinical testing. Allele origin: germline.
Comment: This sequence change replaces phenylalanine, which is neutral and non-polar, with leucine, which is neutral and non-polar, at codon 439 of the FZD2 protein (p.Phe439Leu). This variant is present in population databases (rs201422597, gnomAD 0.01%). This variant has not been reported in the literature in individuals affected with FZD2-related conditions. ClinVar contains an entry for this variant (Variation ID: 1439539). Invitae Evidence Modeling of protein sequence and biophysical properties (such as structural, functional, and spatial information, amino acid conservation, physicochemical variation, residue mobility, and thermodynamic stability) indicates that this missense variant is not expected to disrupt FZD2 protein function with a negative predictive value of 80%. In summary, the available evidence is currently insufficient to determine the role of this variant in disease. Therefore, it has been classified as a Variant of Uncertain Significance.

Ambry Genetics
Classification: Uncertain significance. Last evaluated: 2025-08-12. Review status: criteria provided, single submitter. Criteria: Ambry Variant Classification Scheme 2023. Collection method: clinical testing. Allele origin: germline.